The following is an entry in ClinVar:

NM_015909.4(NBAS):c.6488T>C (p.Leu2163Pro)

Gene: NBAS (NBAS subunit of NRZ tethering complex; minus strand). Cytogenetic location: 2p24.3.
Variant type: single nucleotide variant.
Coding change: c.6488T>C on transcript NM_015909.4 (MANE Select); coding-DNA position 6488, T replaced by C.
Protein change: p.Leu2163Pro; replaces leucine 2163 with proline.
Molecular consequence: missense variant. On other transcripts: non-coding transcript variant (1).
Genome position (GRCh38, 1-based): chr2:15,190,348, A>G on the plus strand (T>C on the coding strand, the complement: NBAS is on the minus strand). VCF-style: chr2-15190348-A-G. GRCh37 (hg19) VCF-style: chr2-15330472-A-G.
Other names: p.Leu2163Pro; short protein forms L2163P.
Identifiers: ClinVar variation 3380791 (VCV003380791.1).

ClinVar aggregate classification (germline): Uncertain significance (1 of 4 stars; one submission).

Submission:

Mayo Clinic Laboratories, Mayo Clinic
Classification: Uncertain significance. Last evaluated: 2024-02-05. Review status: criteria provided, single submitter. Criteria: ACMG Guidelines, 2015. Collection method: clinical testing. Allele origin: germline. Observed: 1 variant allele.
Comment: PM2